The following is an entry in ClinVar:

NM_007078.3(LDB3):c.430C>A (p.Pro144Thr)

Gene: LDB3 (LIM domain binding 3; plus strand). Cytogenetic location: 10q23.2.
Variant type: single nucleotide variant.
Coding change: c.430C>A on transcript NM_007078.3 (MANE Select); coding-DNA position 430, C replaced by A.
Protein change: p.Pro144Thr; replaces proline 144 with threonine.
Molecular consequence: missense variant. On other transcripts: intron variant (5).
Genome position (GRCh38, 1-based): chr10:86,681,544, C>A. VCF-style: chr10-86681544-C-A. GRCh37 (hg19) VCF-style: chr10-88441301-C-A.
Other names: c.430C>A, p.Pro144Thr (NM_001080115.2, NM_001171610.2, NM_001171611.2 and 3 more transcripts); c.321+1387C>A (NM_001368068.1, NM_001368066.1, NM_001080114.2 and 2 more transcripts); short protein forms P144T.
Identifiers: ClinVar variation 4711450 (VCV004711450.1).

ClinVar aggregate classification (germline): Uncertain significance (1 of 4 stars; one submission).

Conditions:
Myofibrillar myopathy 4. Also called: Zaspopathy (type). Identifiers: Orphanet 98912, MedGen C4721886, MONDO:0012277, OMIM 609452.

Submission:

Labcorp Genetics (formerly Invitae), Labcorp
Classification: Uncertain significance for Myofibrillar myopathy 4. Last evaluated: 2025-12-08. Review status: criteria provided, single submitter. Criteria: Invitae Variant Classification Sherloc (09022015). Collection method: clinical testing. Allele origin: germline.
Comment: The LDB3 gene has multiple clinically relevant transcripts. This variant occurs in alternate transcript NM_007078.3, and corresponds to NM_001080116.1:c.321+1387C>A in the primary transcript. This sequence change replaces proline, which is neutral and non-polar, with threonine, which is neutral and polar, at codon 144 of the LDB3 protein (p.Pro144Thr). This variant is not present in population databases (gnomAD no frequency). This variant has not been reported in the literature in individuals affected with LDB3-related conditions. Experimental studies and prediction algorithms are not available or were not evaluated, and the functional significance of this variant is currently unknown. Algorithms developed to predict the effect of sequence changes on RNA splicing suggest that this variant is not likely to affect RNA splicing. In summary, the available evidence is currently insufficient to determine the role of this variant in disease. Therefore, it has been classified as a Variant of Uncertain Significance.